The following is an entry in ClinVar:

NM_000535.7(PMS2):c.1249A>G (p.Ile417Val)

Gene: PMS2 (PMS1 homolog 2, mismatch repair system component; minus strand). Cytogenetic location: 7p22.1.
Variant type: single nucleotide variant.
Coding change: c.1249A>G on transcript NM_000535.7 (MANE Select); coding-DNA position 1249, A replaced by G.
Protein change: p.Ile417Val; replaces isoleucine 417 with valine.
Molecular consequence: missense variant. On other transcripts: non-coding transcript variant (1).
Genome position (GRCh38, 1-based): chr7:5,987,516, T>C on the plus strand (A>G on the coding strand, the complement: PMS2 is on the minus strand). VCF-style: chr7-5987516-T-C. GRCh37 (hg19) VCF-style: chr7-6027147-T-C.
Other names: c.844A>G, p.Ile282Val (NM_001322003.2, NM_001322004.2, NM_001322005.2 and 1 more transcripts); c.1093A>G, p.Ile365Val (NM_001322006.2); c.931A>G, p.Ile311Val (NM_001322007.2, NM_001322008.2); c.688A>G, p.Ile230Val (NM_001322010.2); c.316A>G, p.Ile106Val (NM_001322011.2, NM_001322012.2); c.676A>G, p.Ile226Val (NM_001322013.2); c.1249A>G, p.Ile417Val (NM_001322014.2); c.940A>G, p.Ile314Val (NM_001322015.2); short protein forms I417V, I106V, I314V, I365V, I226V, I230V, I311V, I282V.
Identifiers: ClinVar variation 570497 (VCV000570497.18), dbSNP rs1060503132, ClinGen allele CA366742482.

ClinVar aggregate classification (germline): Conflicting classifications of pathogenicity. Review status: criteria provided, conflicting classifications (1 of 4 stars). 5 submissions from 5 submitters: Uncertain significance (3); Likely benign (2). Last evaluated 2025-05-29.

Conditions:
Hereditary nonpolyposis colorectal neoplasms. Identifiers: MedGen C0009405, MeSH D003123.
Lynch syndrome 4 (LYNCH4). Also called: Hereditary non-polyposis colorectal cancer, type 4; Colorectal cancer, hereditary nonpolyposis, type 4. Identifiers: Orphanet 144, MedGen C1838333, MONDO:0013699, OMIM 614337. Disease mechanism: loss of function.
Mismatch repair cancer syndrome 4. Identifiers: MedGen C5436817, MONDO:0030843, OMIM 619101.
Hereditary cancer-predisposing syndrome. Also called: Hereditary neoplastic syndrome; Tumor predisposition; Neoplastic Syndromes, Hereditary; Hereditary Cancer Syndrome. Identifiers: Orphanet 140162, MedGen C0027672, MeSH D009386, MONDO:0015356.

Allele frequency attached by ClinVar (database versions not stated): TOPMed below 0.00001.
gnomAD v4.1: 2 of 1,614,216 alleles (0.00012%); highest among the groups gnomAD compares: Non-Finnish European, 0.00017%; no homozygotes.

Submissions (5):

Ambry Genetics
Classification: Likely benign for Hereditary cancer-predisposing syndrome. Last evaluated: 2025-05-29. Review status: criteria provided, single submitter. Criteria: Ambry Variant Classification Scheme 2023. Collection method: clinical testing. Allele origin: germline.

Color Diagnostics, LLC DBA Color Health
Classification: Likely benign for Hereditary cancer-predisposing syndrome. Last evaluated: 2025-02-03. Review status: criteria provided, single submitter. Criteria: ACMG Guidelines, 2015. Collection method: clinical testing. Allele origin: germline.

Labcorp Genetics (formerly Invitae), Labcorp
Classification: Uncertain significance for Hereditary nonpolyposis colorectal neoplasms. Last evaluated: 2024-12-19. Review status: criteria provided, single submitter. Criteria: Invitae Variant Classification Sherloc (09022015). Collection method: clinical testing. Allele origin: germline.
Comment: This sequence change replaces isoleucine, which is neutral and non-polar, with valine, which is neutral and non-polar, at codon 417 of the PMS2 protein (p.Ile417Val). This variant is not present in population databases (gnomAD no frequency). This variant has not been reported in the literature in individuals affected with PMS2-related conditions. ClinVar contains an entry for this variant (Variation ID: 570497). Invitae Evidence Modeling incorporating data from in vitro experimental studies (internal data) indicates that this missense variant is not expected to disrupt PMS2 function with a negative predictive value of 95%. In summary, the available evidence is currently insufficient to determine the role of this variant in disease. Therefore, it has been classified as a Variant of Uncertain Significance.

Fulgent Genetics
Classification: Uncertain significance for Lynch syndrome 4; Mismatch repair cancer syndrome 4. Last evaluated: 2024-01-17. Review status: criteria provided, single submitter. Criteria: ACMG Guidelines, 2015. Collection method: clinical testing. Allele origin: germline.

Quest Diagnostics Nichols Institute San Juan Capistrano
Classification: Uncertain significance. Last evaluated: 2021-08-16. Review status: criteria provided, single submitter. Criteria: Quest Diagnostics criteria. Collection method: clinical testing. Allele origin: unknown.